The following is an entry in ClinVar:

NC_000016.9:g.(?_23619175)_(23652478_?)del

Gene: PALB2 (partner and localizer of BRCA2; minus strand). Cytogenetic location: 16p12.2.
Variant type: Deletion.
Identifiers: ClinVar variation 1075920 (VCV001075920.6).

ClinVar aggregate classification (germline): Pathogenic (1 of 4 stars; one submission).

Conditions:
Familial cancer of breast. Also called: hereditary breast carcinoma; Hereditary breast cancer; BREAST CANCER, FAMILIAL. Identifiers: Orphanet 227535, MedGen C0346153, MONDO:0016419, OMIM 114480. Disease mechanism: loss of function.

Submission:

Labcorp Genetics (formerly Invitae), Labcorp
Classification: Pathogenic for Familial cancer of breast. Last evaluated: 2020-09-09. Review status: criteria provided, single submitter. Criteria: Invitae Variant Classification Sherloc (09022015). Collection method: clinical testing. Allele origin: germline.
Comment: This variant is a gross deletion of the genomic region encompassing exon(s) 1-12 of the PALB2 gene, which includes the initiator codon. The 5' end of this event is unknown as it extends beyond the assayed region for this gene and therefore may encompass additional genes. The 3' boundary is likely confined to intron 12 of the PALB2 gene. This is expected to result in an absent or disrupted protein product. This variant has not been reported in the literature in individuals with PALB2-related conditions. For these reasons, this variant has been classified as Pathogenic. Loss-of-function variants in PALB2 are known to be pathogenic (PMID: 17200668, 24136930, 25099575).

Literature cited by the submitters: PubMed 17200668; PubMed 24136930; PubMed 25099575.